The following is an entry in ClinVar:

NM_005956.4(MTHFD1):c.2138T>C (p.Val713Ala)

Gene: MTHFD1 (methylenetetrahydrofolate dehydrogenase, cyclohydrolase and formyltetrahydrofolate synthetase 1; plus strand). Cytogenetic location: 14q23.3.
Variant type: single nucleotide variant.
Coding change: c.2138T>C on transcript NM_005956.4 (MANE Select); coding-DNA position 2138, T replaced by C.
Protein change: p.Val713Ala; replaces valine 713 with alanine.
Molecular consequence: missense variant.
Genome position (GRCh38, 1-based): chr14:64,444,694, T>C. VCF-style: chr14-64444694-T-C. GRCh37 (hg19) VCF-style: chr14-64911412-T-C.
Other names: c.2138T>C, p.Val713Ala (NM_001364837.1); short protein forms V713A.
Identifiers: ClinVar variation 1499305 (VCV001499305.8), dbSNP rs2140977715, ClinGen allele CA390000748.

ClinVar aggregate classification (germline): Uncertain significance (1 of 4 stars; one submission).

Submission:

Labcorp Genetics (formerly Invitae), Labcorp
Classification: Uncertain significance. Last evaluated: 2022-08-10. Review status: criteria provided, single submitter. Criteria: Invitae Variant Classification Sherloc (09022015). Collection method: clinical testing. Allele origin: germline.
Comment: This sequence change replaces valine, which is neutral and non-polar, with alanine, which is neutral and non-polar, at codon 713 of the MTHFD1 protein (p.Val713Ala). In summary, the available evidence is currently insufficient to determine the role of this variant in disease. Therefore, it has been classified as a Variant of Uncertain Significance. Algorithms developed to predict the effect of missense changes on protein structure and function are either unavailable or do not agree on the potential impact of this missense change (SIFT: "Deleterious"; PolyPhen-2: "Benign"; Align-GVGD: "Class C0"). ClinVar contains an entry for this variant (Variation ID: 1499305). This variant has not been reported in the literature in individuals affected with MTHFD1-related conditions. This variant is not present in population databases (gnomAD no frequency).